The following is an entry in ClinVar:

ClinVar aggregate classification (germline): Pathogenic. Review status: criteria provided, multiple submitters, no conflicts (2 of 4 stars). 4 submissions from 4 submitters: Pathogenic (3). 1 of the submissions does not count toward it. Last evaluated 2024-12-23.

Conditions:
COL1A1-related disorder. Also called: COL1A1- related disease; COL1A1-related condition.
Osteogenesis imperfecta type I (OI1). Also called: OI, TYPE I; OSTEOGENESIS IMPERFECTA TARDA; OSTEOGENESIS IMPERFECTA WITH BLUE SCLERAE; Osteogenesis imperfecta type 1; Lobstein's Disease; Classic Non-deforming Osteogenesis Imperfecta with Blue Sclerae. Identifiers: Orphanet 216796, Orphanet 666, MedGen C0023931, MONDO:0008146, OMIM 166200. Disease mechanism: loss of function.

Submissions (4):

Labcorp Genetics (formerly Invitae), Labcorp
Classification: Pathogenic for Osteogenesis imperfecta type I. Last evaluated: 2024-12-23. Review status: criteria provided, single submitter. Criteria: Invitae Variant Classification Sherloc (09022015). Collection method: clinical testing. Allele origin: germline.
Comment: This sequence change creates a premature translational stop signal (p.Gly1055Alafs*53) in the COL1A1 gene. It is expected to result in an absent or disrupted protein product. Loss-of-function variants in COL1A1 are known to be pathogenic (PMID: 7942841, 9295084, 9443882). This variant is not present in population databases (gnomAD no frequency). This premature translational stop signal has been observed in individual(s) with COL1A1-related conditions (PMID: 15241796, 29502568). This variant is also known as [rs72654794, Chr17: 50,188,575, deletion]. ClinVar contains an entry for this variant (Variation ID: 285398). For these reasons, this variant has been classified as Pathogenic.

GeneDx
Classification: Pathogenic. Last evaluated: 2019-11-08. Review status: criteria provided, single submitter. Criteria: GeneDx Variant Classification Process June 2021. Collection method: clinical testing. Allele origin: germline. Affected: yes.
Comment: Frameshift variant predicted to result in protein truncation or nonsense mediated decay in a gene for which loss-of-function is a known mechanism of disease; Not observed in large population cohorts (Lek et al., 2016); This variant is associated with the following publications: (PMID: 15241796, 29502568, 31429852)

Eurofins Ntd Llc (ga)
Classification: Pathogenic. Last evaluated: 2016-01-22. Review status: criteria provided, single submitter. Criteria: EGL Classification Definitions 2015. Collection method: clinical testing. Allele origin: germline. Observed: 2 variant alleles, 2 heterozygotes.

PreventionGenetics, part of Exact Sciences
Classification: Pathogenic for COL1A1-related condition. Last evaluated: 2024-02-15. Review status: no assertion criteria provided. Collection method: clinical testing. Allele origin: germline. Not counted in ClinVar's aggregate classification.
Comment: The COL1A1 c.3162delT variant is predicted to result in a frameshift and premature protein termination (p.Gly1055Alafs*53). This variant was reported to be causative for osteogenesis imperfecta, including at least one de novo case (Hartikka et al. 2004. PubMed ID: 15241796; Table S1, Tüysüz et al. 2021. PubMed ID: 34902613). This variant has not been reported in a large population database, indicating this variant is rare. Frameshift variants in COL1A1 are expected to be pathogenic. This variant is interpreted as pathogenic.

Literature cited by the submitters: PubMed 7942841 (cited by Labcorp Genetics (formerly Invitae), Labcorp); PubMed 9295084 (cited by Labcorp Genetics (formerly Invitae), Labcorp); PubMed 9443882 (cited by Labcorp Genetics (formerly Invitae), Labcorp); PubMed 15241796 (cited by Labcorp Genetics (formerly Invitae), Labcorp); PubMed 29502568 (cited by Labcorp Genetics (formerly Invitae), Labcorp).

NM_000088.4(COL1A1):c.3162del (p.Gly1055fs)

Gene: COL1A1 (collagen type I alpha 1 chain; minus strand). Cytogenetic location: 17q21.33.
Variant type: Deletion.
Coding change: c.3162del on transcript NM_000088.4 (MANE Select); coding-DNA position 3162, one base deleted (T; older notation c.3162delT).
Protein change: p.Gly1055fs; shifts the reading frame from glycine 1055.
Molecular consequence: frameshift variant.
Genome position (GRCh38, 1-based): chr17:50,188,575, A deleted on the plus strand (T on the coding strand, the reverse complement: COL1A1 is on the minus strand). VCF-style (leftmost placement, unchanged base first): chr17-50188574-CA-C. GRCh37 (hg19) VCF-style: chr17-48265935-CA-C.
Other names: c.3162delT (NM_000088.3); short protein forms G1055fs.
Identifiers: ClinVar variation 285398 (VCV000285398.14), dbSNP rs72654794, ClinGen allele CA10605099.